The following is an entry in ClinVar:

ClinVar aggregate classification (germline): Pathogenic (1 of 4 stars; one submission).

Conditions:
CHARGE syndrome (CHARGE). Also called: Hittner Hirsch Kreh syndrome; Coloboma, heart anomaly, choanal atresia, retardation, genital and ear anomalies; CHARGE association; Hall-Hittner syndrome; CHARGE ASSOCIATION--COLOBOMA, HEART ANOMALY, CHOANAL ATRESIA, RETARDATION, GENITAL AND EAR ANOMALIES. Identifiers: Orphanet 138, MedGen C0265354, MONDO:0008965.

Submission:

Labcorp Genetics (formerly Invitae), Labcorp
Classification: Pathogenic for CHARGE syndrome. Last evaluated: 2017-12-07. Review status: criteria provided, single submitter. Criteria: Invitae Variant Classification Sherloc (09022015). Collection method: clinical testing. Allele origin: germline.
Comment: A gross deletion of the genomic region encompassing the full coding sequence of the CHD7 gene has been identified. The boundaries of this event are unknown as the deletion extends beyond the assayed region for this gene and therefore may encompass additional genes. A similar gross deletion of the entire CHD7 coding sequence has been reported in an individual affected with CHARGE syndrome (PMID: 21158681). Loss-of-function variants in CHD7 are known to be pathogenic (PMID: 22461308, 25077900). For these reasons, this variant has been classified as Pathogenic.

Literature cited by the submitters: PubMed 21158681.

NC_000008.11:g.(?_60741413)_(60865953_?)del

Genes: CHD7 (chromodomain helicase DNA binding protein 7; plus strand), LOC126860403 (CDK7 strongly-dependent group 2 enhancer GRCh37_chr8:61693034-61694233; plus strand), LOC130000466 (ATAC-STARR-seq lymphoblastoid active region 27426; plus strand), LOC130000467 (ATAC-STARR-seq lymphoblastoid active region 27427; plus strand), LOC130000468 (ATAC-STARR-seq lymphoblastoid active region 27428; plus strand). Cytogenetic location: 8q12.2.
Variant type: Deletion.
Identifiers: ClinVar variation 529154 (VCV000529154.1).